The following is an entry in ClinVar:

ClinVar aggregate classification (germline): Likely benign. Review status: criteria provided, multiple submitters, no conflicts (2 of 4 stars). 5 submissions from 5 submitters: Likely benign (5). Last evaluated 2025-10-27.

Conditions:
Familial thoracic aortic aneurysm and aortic dissection (TAAD). Also called: Thoracic aortic aneurysms and dissections. Identifiers: Orphanet 91387, MedGen C4707243, MONDO:0019625.
Aortic aneurysm, familial thoracic 4 (AAT4). Also called: AORTIC ANEURYSM/AORTIC DISSECTION AND PATENT DUCTUS ARTERIOSUS. Identifiers: MedGen C1851504, MONDO:0007568, OMIM 132900.

Allele frequency attached by ClinVar (database versions not stated): ExAC below 0.00001; gnomAD 0.00003; TOPMed 0.00003; ESP Exome Variant Server 0.00008.
gnomAD v4.1: 40 of 1,574,530 alleles (0.0025%); highest among the groups gnomAD compares: Non-Finnish European, 0.0032%; no homozygotes.

Submissions (5):

Labcorp Genetics (formerly Invitae), Labcorp
Classification: Likely benign for Aortic aneurysm, familial thoracic 4. Last evaluated: 2025-10-27. Review status: criteria provided, single submitter. Criteria: Invitae Variant Classification Sherloc (09022015). Collection method: clinical testing. Allele origin: germline.

All of Us Research Program, National Institutes of Health
Classification: Likely benign for Familial thoracic aortic aneurysm and aortic dissection. Last evaluated: 2024-01-11. Review status: criteria provided, single submitter. Criteria: ACMG Guidelines, 2015. Collection method: clinical testing. Allele origin: germline. Inheritance: Autosomal dominant inheritance. Observed: 6 variant alleles, 6 heterozygotes.
Comment: This study involves interpretation of variants in research participants for the purpose of population health screening. Participant phenotype was not available at the time of variant classification. Additional details can be found in publication PMID: 35346344, PMCID: PMC8962531

Ambry Genetics
Classification: Likely benign for Familial thoracic aortic aneurysm and aortic dissection. Last evaluated: 2020-06-02. Review status: criteria provided, single submitter. Criteria: Ambry Variant Classification Scheme 2023. Collection method: clinical testing. Allele origin: germline.

ARUP Laboratories, Molecular Genetics and Genomics, ARUP Laboratories
Classification: Likely benign for Aortic aneurysm, familial thoracic 4. Last evaluated: 2019-02-15. Review status: criteria provided, single submitter. Criteria: ARUP Molecular Germline Variant Investigation Process. Collection method: clinical testing. Allele origin: germline.

Color Diagnostics, LLC DBA Color Health
Classification: Likely benign for Familial thoracic aortic aneurysm and aortic dissection. Last evaluated: 2018-09-28. Review status: criteria provided, single submitter. Criteria: ACMG Guidelines, 2015. Collection method: clinical testing. Allele origin: germline.

NM_002474.3(MYH11):c.5187C>T (p.Asp1729=)

Genes: NDE1 (nudE neurodevelopment protein 1; plus strand), MYH11 (myosin heavy chain 11; minus strand). Cytogenetic location: 16p13.11.
Variant type: single nucleotide variant.
Coding change: c.5187C>T on transcript NM_002474.3 (MANE Select); coding-DNA position 5187, C replaced by T.
Protein change: p.Asp1729=; no amino-acid change (aspartic acid 1729 retained).
Molecular consequence: synonymous variant. On other transcripts: intron variant (2).
Genome position (GRCh38, 1-based): chr16:15,718,423, G>A on the plus strand (C>T on the coding strand, the complement: MYH11 is on the minus strand). VCF-style: chr16-15718423-G-A. GRCh37 (hg19) VCF-style: chr16-15812280-G-A.
Other names: c.5208C>T, p.Asp1736= (NM_001040113.2, NM_001040114.2); c.5187C>T, p.Asp1729= (NM_022844.3); c.948-5768G>A (NM_001143979.2, NM_017668.3).
Identifiers: ClinVar variation 629396 (VCV000629396.20), dbSNP rs145101141, ClinGen allele CA7921368.